The following is an entry in ClinVar:

ClinVar aggregate classification (germline): Likely pathogenic. Review status: criteria provided, multiple submitters, no conflicts (2 of 4 stars). 2 submissions from 2 submitters: Likely pathogenic (2). Last evaluated 2024-12-02.

Conditions:
Coffin-Siris syndrome 7. Identifiers: MedGen C4747954, MONDO:0054831, OMIM 618027.

Submissions (2):

Genetics and Molecular Pathology, SA Pathology
Classification: Likely pathogenic for Coffin-Siris syndrome 7. Last evaluated: 2024-12-02. Review status: criteria provided, single submitter. Criteria: ACMG Guidelines, 2015. Collection method: clinical testing. Allele origin: germline. Affected: yes.

GeneDx
Classification: Likely pathogenic. Last evaluated: 2019-07-19. Review status: criteria provided, single submitter. Criteria: GeneDx Variant Classification Process June 2021. Collection method: clinical testing. Allele origin: germline. Affected: yes.
Comment: Has not been previously published as pathogenic or benign to our knowledge; Not observed in large population cohorts (Lek et al., 2016); In silico analysis, which includes protein predictors and evolutionary conservation, supports a deleterious effect

NM_006268.5(DPF2):c.1036G>A (p.Asp346Asn)

Gene: DPF2 (double PHD fingers 2; plus strand). Cytogenetic location: 11q13.1.
Variant type: single nucleotide variant.
Coding change: c.1036G>A on transcript NM_006268.5 (MANE Select); coding-DNA position 1036, G replaced by A.
Protein change: p.Asp346Asn; replaces aspartic acid 346 with asparagine.
Molecular consequence: missense variant.
Genome position (GRCh38, 1-based): chr11:65,348,868, G>A. VCF-style: chr11-65348868-G-A. GRCh37 (hg19) VCF-style: chr11-65116339-G-A.
Other names: c.1078G>A, p.Asp360Asn (NM_001330308.2); short protein forms D346N, D360N.
Identifiers: ClinVar variation 1200174 (VCV001200174.4), dbSNP rs2137710954, ClinGen allele CA381232468.